The following is an entry in ClinVar:

NM_000275.3(OCA2):c.1911_1914del (p.Phe638fs)

Gene: OCA2 (OCA2 melanosomal transmembrane protein; minus strand). Cytogenetic location: 15q13.1.
Variant type: Deletion.
Coding change: c.1911_1914del on transcript NM_000275.3 (MANE Select); coding-DNA positions 1911 to 1914, 4 bases deleted (TTTC; older notation c.1911_1914delTTTC).
Protein change: p.Phe638fs; shifts the reading frame from phenylalanine 638.
Molecular consequence: frameshift variant.
Genome position (GRCh38, 1-based): chr15:27,951,821-27,951,824, GAAA deleted on the plus strand (TTTC on the coding strand, the reverse complement: OCA2 is on the minus strand). VCF-style (leftmost placement, unchanged base first): chr15-27951820-GGAAA-G. GRCh37 (hg19) VCF-style: chr15-28196966-GGAAA-G.
Other names: c.1911_1914delTTTC (NM_000275.2); c.1839_1842del, p.Phe614fs (NM_001300984.2); short protein forms F614fs, F638fs.
Identifiers: ClinVar variation 2445913 (VCV002445913.5), dbSNP rs1297737900, ClinGen allele CA711717700.

ClinVar aggregate classification (germline): Pathogenic/Likely pathogenic. Review status: criteria provided, multiple submitters, no conflicts (2 of 4 stars). 3 submissions from 3 submitters: Pathogenic (1); Likely pathogenic (2). Last evaluated 2025-11-18.

Conditions:
Oculocutaneous albinism. Identifiers: Orphanet 55, MedGen C0078918, MONDO:0018910.
SKIN/HAIR/EYE PIGMENTATION 1, BLUE/NONBLUE EYES (SHEP1). Also called: BROWN EYE COLOR 2; EYE COLOR 3; EYE COLOR, BLUE/NONBLUE; EYE COLOR, BROWN/BLUE; HAIR COLOR 3; SKIN/HAIR/EYE PIGMENTATION 1, BLOND/BROWN HAIR. Identifiers: MedGen C1856895, OMIM 227220.

Allele frequency attached by ClinVar (database versions not stated): gnomAD exomes below 0.00001; gnomAD 0.00001; TOPMed 0.00001.

Submissions (3):

Labcorp Genetics (formerly Invitae), Labcorp
Classification: Pathogenic. Last evaluated: 2025-11-18. Review status: criteria provided, single submitter. Criteria: Invitae Variant Classification Sherloc (09022015). Collection method: clinical testing. Allele origin: germline.
Comment: This sequence change creates a premature translational stop signal (p.Phe638Serfs*24) in the OCA2 gene. It is expected to result in an absent or disrupted protein product. Loss-of-function variants in OCA2 are known to be pathogenic (PMID: 19865097, 21541274). This variant is not present in population databases (gnomAD no frequency). This variant has not been reported in the literature in individuals affected with OCA2-related conditions. ClinVar contains an entry for this variant (Variation ID: 2445913). For these reasons, this variant has been classified as Pathogenic.

Baylor Genetics
Classification: Likely pathogenic for SKIN/HAIR/EYE PIGMENTATION 1, BLUE/NONBLUE EYES. Last evaluated: 2023-03-13. Review status: criteria provided, single submitter. Criteria: ACMG Guidelines, 2015. Collection method: clinical testing. Allele origin: unknown.

Women's Health and Genetics/Laboratory Corporation of America, LabCorp
Classification: Likely pathogenic for Oculocutaneous albinism. Last evaluated: 2023-02-20. Review status: criteria provided, single submitter. Criteria: LabCorp Variant Classification Summary - May 2015. Collection method: clinical testing. Allele origin: germline.
Comment: Variant summary: OCA2 c.1911_1914delTTTC (p.Phe638SerfsX24) results in a premature termination codon, predicted to cause a truncation of the encoded protein or absence of the protein due to nonsense mediated decay, which are commonly known mechanisms for disease. Truncations downstream of this position have been reported in affected individuals (HGMD). The variant was absent in 251390 control chromosomes (gnomAD). To our knowledge, no occurrence of c.1911_1914delTTTC in individuals affected with Oculocutaneous Albinism and no experimental evidence demonstrating its impact on protein function have been reported. No clinical diagnostic laboratories have submitted clinical-significance assessments for this variant to ClinVar after 2014. Based on the evidence outlined above, the variant was classified as likely pathogenic.

Literature cited by the submitters: PubMed 19865097 (cited by Labcorp Genetics (formerly Invitae), Labcorp); PubMed 21541274 (cited by Labcorp Genetics (formerly Invitae), Labcorp).